The following is an entry in ClinVar:

NM_000169.3(GLA):c.61C>T (p.Leu21Phe)

Genes: GLA (galactosidase alpha; minus strand), RPL36A-HNRNPH2 (RPL36A-HNRNPH2 readthrough; plus strand). Cytogenetic location: Xq22.1.
Variant type: single nucleotide variant.
Coding change: c.61C>T on transcript NM_000169.3 (MANE Select); coding-DNA position 61, C replaced by T.
Protein change: p.Leu21Phe; replaces leucine 21 with phenylalanine.
Molecular consequence: missense variant. On other transcripts: non-coding transcript variant (3), intron variant (2).
Genome position (GRCh38, 1-based): chrX:101,407,843, G>A on the plus strand (C>T on the coding strand, the complement: GLA is on the minus strand). VCF-style: chrX-101407843-G-A. GRCh37 (hg19) VCF-style: chrX-100662831-G-A.
Other names: c.61C>T, p.Leu21Phe (NM_001406747.1, NM_001406748.1, NM_001406749.1); c.301-4093G>A (NM_001199973.2); c.178-4093G>A (NM_001199974.2); short protein forms L21F.
Identifiers: ClinVar variation 1327540 (VCV001327540.4), dbSNP rs782164084, ClinGen allele CA031556.

ClinVar aggregate classification (germline): Conflicting classifications of pathogenicity. Review status: criteria provided, conflicting classifications (1 of 4 stars). 2 submissions from 2 submitters: Uncertain significance (1); Likely benign (1). Last evaluated 2026-09-08.

Conditions:
Fabry disease. Also called: Fabry's disease; GLA DEFICIENCY; HEREDITARY DYSTOPIC LIPIDOSIS; Angiokeratoma corporis diffusum; ALPHA-GALACTOSIDASE A DEFICIENCY; ANDERSON-FABRY DISEASE. Identifiers: Orphanet 324, MedGen C0002986, MONDO:0010526, OMIM 301500, HP:0001071. Disease mechanism: Fabry disease is due to inactivating mutations in the X-linked GLA gene resulting in deficiency of the enzyme Alpha Galactosidase-A., loss of function.

Allele frequency attached by ClinVar (database versions not stated): gnomAD exomes below 0.00001 and 0.00001; ExAC 0.00001.

Submissions (2):

Genomenon, Inc
Classification: Uncertain significance for Fabry disease. Last evaluated: 2026-09-08. Review status: criteria provided, single submitter. Criteria: Genomenon Sequence Variant Interpretation Standards - Updated. Collection method: curation. Allele origin: germline. Affected: no.
Comment: GLA p.Leu21Phe (c.61C>T) is a missense variant that changes the amino acid at codon 21 from Leucine to Phenylalanine. This variant has been reported in the published literature (PMID:27657681). It is absent or not present at a significant frequency in gnomAD. In silico models predict that this variant is not damaging. In conclusion, we classify GLA p.Leu21Phe (c.61C>T) as a variant of uncertain significance.

3billion
Classification: Likely benign for Fabry disease. Last evaluated: 2021-12-09. Review status: criteria provided, single submitter. Criteria: ACMG Guidelines, 2015. Collection method: clinical testing. Allele origin: germline. Affected: yes. Observed: 1 hemizygote.
Comment: The variant is observed at an extremely low frequency in the gnomAD v2.1.1 dataset (total allele frequency: 0.001%). Different pathogenic amino acid change has been reported with sufficient evidence at the same codon (ClinVar ID: VCV000217374, PMID:26415523). In silico prediction tools and conservation analysis predicted that this variant was probably damaging to the protein structure/function (3CNET: 0.815>=0.75). However, It have been identified with normal or near-normal baseline activity in the GLP HEK assay (PMID: 27657681). In addition, It is observed as hemizygous in at least two unrelated unaffected individuals/adults in the 3billion dataset and therefore considered benign. Therefore, this variant was classified as likely benign significance according to the ACMG guideline.

Literature cited by the submitters: PubMed 27657681 (cited by Genomenon, Inc and 3billion).